The following is an entry in ClinVar:

NM_000475.5(NR0B1):c.338C>T (p.Pro113Leu)

Gene: NR0B1 (nuclear receptor subfamily 0 group B member 1; minus strand). Cytogenetic location: Xp21.2.
Variant type: single nucleotide variant.
Coding change: c.338C>T on transcript NM_000475.5 (MANE Select); coding-DNA position 338, C replaced by T.
Protein change: p.Pro113Leu; replaces proline 113 with leucine.
Molecular consequence: missense variant.
Genome position (GRCh38, 1-based): chrX:30,309,026, G>A on the plus strand (C>T on the coding strand, the complement: NR0B1 is on the minus strand). VCF-style: chrX-30309026-G-A. GRCh37 (hg19) VCF-style: chrX-30327143-G-A.
Other names: short protein forms P113L.
Identifiers: ClinVar variation 4994036 (VCV004994036.1).

ClinVar aggregate classification (germline): Uncertain significance (1 of 4 stars; one submission).

Conditions:
NR0B1-related disorder.

Submission:

PreventionGenetics, part of Exact Sciences
Classification: Uncertain significance for NR0B1-related condition. Last evaluated: 2026-02-05. Review status: criteria provided, single submitter. Criteria: ACMG Guidelines, 2015. Collection method: clinical testing. Allele origin: germline.
Comment: The NR0B1 c.338C>T variant is predicted to result in the amino acid substitution p.Pro113Leu. To our knowledge, this variant has not been reported in the literature or in a large population database (gnomAD), indicating this variant is rare. At this time, the clinical significance of this variant is uncertain due to the absence of conclusive functional and genetic evidence.